The following is an entry in ClinVar:

NM_000218.3(KCNQ1):c.1393+33436A>C

Genes: KCNQ1 (potassium voltage-gated channel subfamily Q member 1; plus strand), KCNQ1OT1 (KCNQ1 opposite strand/antisense transcript 1; minus strand). Cytogenetic location: 11p15.5.
Variant type: single nucleotide variant.
Coding change: c.1393+33436A>C on transcript NM_000218.3 (MANE Select); 33436 bases into the intron after coding-DNA position 1393, A replaced by C.
Molecular consequence: intron variant. On other transcripts: non-coding transcript variant (1).
Genome position (GRCh38, 1-based): chr11:2,622,290, A>C. VCF-style: chr11-2622290-A-C. GRCh37 (hg19) VCF-style: chr11-2643520-A-C.
Other names: c.1123+33436A>C (NM_001406837.1); c.1297+33436A>C (NM_001406836.1); c.853+33436A>C (NM_001406838.1); c.1012+33436A>C (NM_181798.2).
Identifiers: ClinVar variation 4281190 (VCV004281190.7).

ClinVar aggregate classification (germline): Likely benign (1 of 4 stars; one submission).

gnomAD v4.1: 546 of 398,304 alleles (0.14%); highest among the groups gnomAD compares: African/African-American, 0.96%; 2 homozygotes.

Submission:

CeGaT Center for Human Genetics Tuebingen
Classification: Likely benign. Last evaluated: 2025-09-01. Review status: criteria provided, single submitter. Criteria: CeGaT Center For Human Genetics Tuebingen Variant Classification Criteria Version 2. Collection method: clinical testing. Allele origin: germline. Affected: yes. Observed: 1 variant allele.
Comment: KCNQ1OT1: BS2